The following is an entry in ClinVar:

NM_001318734.2(KLC2):c.1253G>A (p.Arg418Gln)

Genes: KLC2 (kinesin light chain 2; plus strand), KLC2-AS1 (KLC2 antisense RNA 1; minus strand). Cytogenetic location: 11q13.2.
Variant type: single nucleotide variant.
Coding change: c.1253G>A on transcript NM_001318734.2 (MANE Select); coding-DNA position 1253, G replaced by A.
Protein change: p.Arg418Gln; replaces arginine 418 with glutamine.
Molecular consequence: missense variant.
Genome position (GRCh38, 1-based): chr11:66,265,059, G>A. VCF-style: chr11-66265059-G-A. GRCh37 (hg19) VCF-style: chr11-66032530-G-A.
Other names: c.1022G>A, p.Arg341Gln (NM_001134774.2); c.1253G>A, p.Arg418Gln (NM_001134775.2, NM_001134776.2, NM_022822.3); c.1253G>A (NM_001134775.1); short protein forms R341Q, R418Q.
Identifiers: ClinVar variation 1371659 (VCV001371659.6), dbSNP rs776301774, ClinGen allele CA6117355.
Genomic context (GRCh38, chr11:66,265,059, plus strand): 5'-TGACAGTCCCCTTTCTCTCCCCAGGGGACAACAAGCCCATCTGGATGCACGCAGAGGAGC[G>A]GGAGGAAAGCAAGGTAGCTCTGTGGGGCAGGCTGGGCGGTTGTCAGGGGAGGCTGGGATG-3'
Protein context (NP_001305663.1, residues 408-428): NKPIWMHAEE[Arg418Gln]EESKDKRRDS

ClinVar aggregate classification (germline): Uncertain significance. Review status: criteria provided, multiple submitters, no conflicts (2 of 4 stars). 2 submissions from 2 submitters: Uncertain significance (2). Last evaluated 2026-02-01.

Allele frequency attached by ClinVar (database versions not stated): gnomAD exomes 0.00002 and 0.00006; ExAC 0.00004; TOPMed 0.00009.
gnomAD v4.1: 36 of 1,612,876 alleles (0.0022%); highest among the groups gnomAD compares: Admixed American, 0.043%; no homozygotes.

Submissions (2):

Labcorp Genetics (formerly Invitae), Labcorp
Classification: Uncertain significance. Last evaluated: 2026-02-01. Review status: criteria provided, single submitter. Criteria: Invitae Variant Classification Sherloc (09022015). Collection method: clinical testing. Allele origin: germline.
Comment: This sequence change replaces arginine, which is basic and polar, with glutamine, which is neutral and polar, at codon 418 of the KLC2 protein (p.Arg418Gln). This variant is present in population databases (rs776301774, gnomAD 0.04%). This variant has not been reported in the literature in individuals affected with KLC2-related conditions. ClinVar contains an entry for this variant (Variation ID: 1371659). An algorithm developed to predict the effect of missense changes on protein structure and function (PolyPhen-2) suggests that this variant is likely to be disruptive. In summary, the available evidence is currently insufficient to determine the role of this variant in disease. Therefore, it has been classified as a Variant of Uncertain Significance.

Ambry Genetics
Classification: Uncertain significance. Last evaluated: 2021-06-11. Review status: criteria provided, single submitter. Criteria: Ambry Variant Classification Scheme 2023. Collection method: clinical testing. Allele origin: germline.